The following is an entry in ClinVar:

NM_001369.3(DNAH5):c.1722del (p.Lys574fs)

Gene: DNAH5 (dynein axonemal heavy chain 5; minus strand). Cytogenetic location: 5p15.2.
Variant type: Deletion.
Coding change: c.1722del on transcript NM_001369.3 (MANE Select); coding-DNA position 1722, one base deleted (A; older notation c.1722delA).
Protein change: p.Lys574fs; shifts the reading frame from lysine 574.
Molecular consequence: frameshift variant.
Genome position (GRCh38, 1-based): chr5:13,902,061, T deleted on the plus strand (A on the coding strand, the reverse complement: DNAH5 is on the minus strand); the first of 3 consecutive T bases (chr5:13,902,061-13,902,063); deleting any one gives the same sequence. VCF-style (leftmost placement, unchanged base first): chr5-13902060-AT-A. GRCh37 (hg19) VCF-style: chr5-13902169-AT-A.
Other names: c.1722delA (NM_001369.2); short protein forms K574fs.
Identifiers: ClinVar variation 644451 (VCV000644451.7), dbSNP rs1164037667, ClinGen allele CA557874937.

ClinVar aggregate classification (germline): Pathogenic (1 of 4 stars; one submission).

Conditions:
Primary ciliary dyskinesia. Also called: Ciliary dyskinesia. Identifiers: Orphanet 244, MedGen C0008780, MONDO:0016575, HP:0012265.

Submission:

Labcorp Genetics (formerly Invitae), Labcorp
Classification: Pathogenic for Primary ciliary dyskinesia. Last evaluated: 2018-12-07. Review status: criteria provided, single submitter. Criteria: Invitae Variant Classification Sherloc (09022015). Collection method: clinical testing. Allele origin: germline.
Comment: For these reasons, this variant has been classified as Pathogenic. Loss-of-function variants in DNAH5 are known to be pathogenic (PMID: 11788826, 16627867). This variant has not been reported in the literature in individuals with DNAH5-related disease. This variant is not present in population databases (ExAC no frequency). This sequence change creates a premature translational stop signal (p.Lys574Asnfs*5) in the DNAH5 gene. It is expected to result in an absent or disrupted protein product.

Literature cited by the submitters: PubMed 11788826; PubMed 16627867.